The following is an entry in ClinVar:

ClinVar aggregate classification (germline): Uncertain significance (1 of 4 stars; one submission).

Conditions:
Hypertrophic cardiomyopathy 14. Identifiers: MedGen C2750467, MONDO:0013197, OMIM 613251.

Submission:

Labcorp Genetics (formerly Invitae), Labcorp
Classification: Uncertain significance for Hypertrophic cardiomyopathy 14. Last evaluated: 2025-04-30. Review status: criteria provided, single submitter. Criteria: Invitae Variant Classification Sherloc (09022015). Collection method: clinical testing. Allele origin: germline.
Comment: This sequence change replaces lysine, which is basic and polar, with arginine, which is basic and polar, at codon 50 of the MYH6 protein (p.Lys50Arg). This variant is not present in population databases (gnomAD no frequency). This variant has not been reported in the literature in individuals affected with MYH6-related conditions. Invitae Evidence Modeling of protein sequence and biophysical properties (such as structural, functional, and spatial information, amino acid conservation, physicochemical variation, residue mobility, and thermodynamic stability) indicates that this missense variant is not expected to disrupt MYH6 protein function with a negative predictive value of 80%. In summary, the available evidence is currently insufficient to determine the role of this variant in disease. Therefore, it has been classified as a Variant of Uncertain Significance.

NM_002471.4(MYH6):c.149A>G (p.Lys50Arg)

Genes: MYH6 (myosin heavy chain 6; minus strand), LOC114827851 (VISTA enhancer hs2155; plus strand). Cytogenetic location: 14q11.2.
Variant type: single nucleotide variant.
Coding change: c.149A>G on transcript NM_002471.4 (MANE Select); coding-DNA position 149, A replaced by G.
Protein change: p.Lys50Arg; replaces lysine 50 with arginine.
Molecular consequence: missense variant.
Genome position (GRCh38, 1-based): chr14:23,407,075, T>C on the plus strand (A>G on the coding strand, the complement: MYH6 is on the minus strand). VCF-style: chr14-23407075-T-C. GRCh37 (hg19) VCF-style: chr14-23876284-T-C.
Other names: short protein forms K50R.
Identifiers: ClinVar variation 4773018 (VCV004773018.1).